The following is an entry in ClinVar:

ClinVar aggregate classification (germline): Likely benign. Review status: criteria provided, multiple submitters, no conflicts (2 of 4 stars). 4 submissions from 4 submitters: Likely benign (4). Last evaluated 2026-08-11.

Conditions:
IFT140-related disorder. Also called: IFT140-related condition.
Saldino-Mainzer syndrome (SRTD9). Also called: Renal dysplasia, retinal pigmentary dystrophy, cerebellar ataxia and skeletal dysplasia; short-rib thoracic dysplasia 9 with or without polydactyly; CONORENAL SYNDROME; SHORT-RIB THORACIC DYSPLASIA 9 WITHOUT POLYDACTYLY. Identifiers: Orphanet 140969, MedGen C1849437, MONDO:0009964, OMIM 266920.

Allele frequency attached by ClinVar (database versions not stated): ExAC 0.00002; gnomAD 0.00003 and 0.00004; TOPMed 0.00003.
gnomAD v4.1: 57 of 1,613,048 alleles (0.0035%); highest among the groups gnomAD compares: Non-Finnish European, 0.0045%; no homozygotes.

Submissions (4):

PreventionGenetics, part of Exact Sciences
Classification: Likely benign for IFT140-related condition. Last evaluated: 2026-08-11. Review status: criteria provided, single submitter. Criteria: ACMG Guidelines, 2015. Collection method: clinical testing. Allele origin: germline.
Comment: This variant is classified as likely benign based on ACMG/AMP sequence variant interpretation guidelines (Richards et al. 2015 PMID: 25741868, with internal and published modifications).

Labcorp Genetics (formerly Invitae), Labcorp
Classification: Likely benign for Saldino-Mainzer syndrome. Last evaluated: 2026-01-30. Review status: criteria provided, single submitter. Criteria: Invitae Variant Classification Sherloc (09022015). Collection method: clinical testing. Allele origin: germline.

CeGaT Center for Human Genetics Tuebingen
Classification: Likely benign. Last evaluated: 2024-02-01. Review status: criteria provided, single submitter. Criteria: CeGaT Center For Human Genetics Tuebingen Variant Classification Criteria Version 2. Collection method: clinical testing. Allele origin: germline. Affected: yes. Observed: 2 variant alleles.
Comment: IFT140: BP4, BP7

Blueprint Genetics
Classification: Likely benign. Last evaluated: 2023-10-23. Review status: criteria provided, single submitter. Criteria: ACMG Guidelines, 2015. Collection method: clinical testing. Allele origin: germline.

NM_014714.4(IFT140):c.174C>T (p.Val58=)

Genes: IFT140 (intraflagellar transport 140; minus strand), LOC105371046 (uncharacterized LOC105371046; plus strand). Cytogenetic location: 16p13.3.
Variant type: single nucleotide variant.
Coding change: c.174C>T on transcript NM_014714.4 (MANE Select); coding-DNA position 174, C replaced by T.
Protein change: p.Val58=; no amino-acid change (valine 58 retained).
Molecular consequence: synonymous variant.
Genome position (GRCh38, 1-based): chr16:1,602,565, G>A on the plus strand (C>T on the coding strand, the complement: IFT140 is on the minus strand). VCF-style: chr16-1602565-G-A. GRCh37 (hg19) VCF-style: chr16-1652566-G-A.
Other names: c.174C>T (NM_014714.3).
Identifiers: ClinVar variation 1110902 (VCV001110902.34), dbSNP rs769612994, ClinGen allele CA7814792.